The following is an entry in ClinVar:

ClinVar aggregate classification (germline): Likely pathogenic (1 of 4 stars; one submission).

Conditions:
Early-infantile DEE. Also called: Ohtahara syndrome; Early infantile epileptic encephalopathy with suppression bursts; Early infantile epileptic encephalopathy. Identifiers: Orphanet 1934, MedGen C0393706, MONDO:0800491.

Submission:

Labcorp Genetics (formerly Invitae), Labcorp
Classification: Likely pathogenic for Early-infantile DEE. Last evaluated: 2025-02-25. Review status: criteria provided, single submitter. Criteria: Invitae Variant Classification Sherloc (09022015). Collection method: clinical testing. Allele origin: germline.
Comment: This sequence change replaces histidine, which is basic and polar, with aspartic acid, which is acidic and polar, at codon 228 of the KCNQ2 protein (p.His228Asp). This variant is not present in population databases (gnomAD no frequency). This variant has not been reported in the literature in individuals affected with KCNQ2-related conditions. ClinVar contains an entry for this variant (Variation ID: 2857655). Invitae Evidence Modeling of protein sequence and biophysical properties (such as structural, functional, and spatial information, amino acid conservation, physicochemical variation, residue mobility, and thermodynamic stability) indicates that this missense variant is expected to disrupt KCNQ2 protein function with a positive predictive value of 95%. This variant disrupts the p.His228 amino acid residue in KCNQ2. Other variant(s) that disrupt this residue have been determined to be pathogenic (PMID: 4055306, 14534157; internal data). This suggests that this residue is clinically significant, and that variants that disrupt this residue are likely to be disease-causing. In summary, the currently available evidence indicates that the variant is pathogenic, but additional data are needed to prove that conclusively. Therefore, this variant has been classified as Likely Pathogenic.

Literature cited by the submitters: PubMed 4055306; PubMed 14534157.

NM_172107.4(KCNQ2):c.682C>G (p.His228Asp)

Gene: KCNQ2 (potassium voltage-gated channel subfamily Q member 2; minus strand). Cytogenetic location: 20q13.33.
Variant type: single nucleotide variant.
Coding change: c.682C>G on transcript NM_172107.4 (MANE Select); coding-DNA position 682, C replaced by G.
Protein change: p.His228Asp; replaces histidine 228 with aspartic acid.
Molecular consequence: missense variant.
Genome position (GRCh38, 1-based): chr20:63,444,667, G>C on the plus strand (C>G on the coding strand, the complement: KCNQ2 is on the minus strand). VCF-style: chr20-63444667-G-C. GRCh37 (hg19) VCF-style: chr20-62076020-G-C.
Other names: c.682C>G, p.His228Asp (NM_001382235.1, NM_004518.6, NM_172106.3 and 2 more transcripts); short protein forms H228D.
Identifiers: ClinVar variation 2857655 (VCV002857655.3), dbSNP rs1555873665, ClinGen allele CA409654656.
Genomic context (GRCh38, chr20:63,444,667, plus strand): 5'-GGACTCTCGCTGGCTGGGGGCGCCCACCGCCAGCCTTGGGGCCGTGACTCACCTTGCTGT[G>C]GGCATAGACCACAGAGCCCAGCAGCTTCCAGGTGCCTCCCCGCCGGTCCATGCGGATCAT-3'
Protein context (NP_742105.1, residues 218-238): WKLLGSVVYA[His228Asp]SKELVTAWYI